The following is an entry in ClinVar:

NM_033130.5(SIGLEC10):c.1296C>G (p.Gly432=)

Gene: SIGLEC10 (sialic acid binding Ig like lectin 10; minus strand). Cytogenetic location: 19q13.41.
Variant type: single nucleotide variant.
Coding change: c.1296C>G on transcript NM_033130.5 (MANE Select); coding-DNA position 1296, C replaced by G.
Protein change: p.Gly432=; no amino-acid change (glycine 432 retained).
Molecular consequence: synonymous variant.
Genome position (GRCh38, 1-based): chr19:51,415,215, G>C on the plus strand (C>G on the coding strand, the complement: SIGLEC10 is on the minus strand). VCF-style: chr19-51415215-G-C. GRCh37 (hg19) VCF-style: chr19-51918469-G-C.
Other names: c.1122C>G, p.Gly374= (NM_001171156.2, NM_001171159.2); c.1296C>G, p.Gly432= (NM_001171157.2); c.1152C>G, p.Gly384= (NM_001171158.2); c.852C>G, p.Gly284= (NM_001171161.2); c.1026C>G, p.Gly342= (NM_001322105.2).
Identifiers: ClinVar variation 3905971 (VCV003905971.10).
Genomic context (GRCh38, chr19:51,415,215, plus strand): 5'-CCAGGTGTCCCCTTTCCCCCACTCACAGTGCACGGAGAGGCTGAGAGAGACGTGCTGGGA[G>C]CCCAGTGGGTGCCGAGCGTGGCAGGTGAACTCTCCTTCGTGCTCCACTTGAACCCGAGGC-3'
Protein context (NP_149121.2, residues 422-442): EFTCHARHPL[Gly432=]SQHVSLSLSV

ClinVar aggregate classification (germline): Likely benign (1 of 4 stars; one submission).

Submission:

CeGaT Center for Human Genetics Tuebingen
Classification: Likely benign. Last evaluated: 2025-06-01. Review status: criteria provided, single submitter. Criteria: CeGaT Center For Human Genetics Tuebingen Variant Classification Criteria Version 2. Collection method: clinical testing. Allele origin: germline. Affected: yes. Observed: 1 variant allele.
Comment: SIGLEC10: PM2:Supporting, BP4, BP7